The following is an entry in ClinVar:

NM_213655.5(WNK1):c.2939G>T (p.Ser980Ile)

Gene: WNK1 (WNK lysine deficient protein kinase 1; plus strand). Cytogenetic location: 12p13.33.
Variant type: single nucleotide variant.
Coding change: c.2939G>T on transcript NM_213655.5 (MANE Plus Clinical); coding-DNA position 2939, G replaced by T.
Protein change: p.Ser980Ile; replaces serine 980 with isoleucine.
Molecular consequence: missense variant. On other transcripts: intron variant (2).
Genome position (GRCh38, 1-based): chr12:868,410, G>T. VCF-style: chr12-868410-G-T. GRCh37 (hg19) VCF-style: chr12-977576-G-T.
Other names: p.Ser980Ile; c.2684G>T, p.Ser895Ile (NM_001184985.2); c.2140-2855G>T (NM_018979.4, NM_014823.3); c.2684G>T (NM_001184985.1); short protein forms S895I, S980I.
Identifiers: ClinVar variation 811389 (VCV000811389.24), dbSNP rs372091476, ClinGen allele CA6382268.

ClinVar aggregate classification (germline): Conflicting classifications of pathogenicity. Review status: criteria provided, conflicting classifications (1 of 4 stars). 6 submissions from 6 submitters: Uncertain significance (3); Likely benign (3). Last evaluated 2026-01-26.

Conditions:
Inborn genetic diseases. Identifiers: MedGen C0950123, MeSH D030342.
WNK1-related disorder. Also called: WNK1-related condition.
Pseudohypoaldosteronism type 2C (PHA2C). Also called: Pseudohypoaldosteronism Type IIC. Identifiers: Orphanet 757, Orphanet 88940, MedGen C1840391, MONDO:0013778, OMIM 614492.
Neuropathy, hereditary sensory and autonomic, type 2A (HSAN2A). Also called: ACROOSTEOLYSIS, GIACCAI TYPE; ACROOSTEOLYSIS, NEUROGENIC; WNK1-Related HSAN2 (HSAN2A); HSAN IIA; MORVAN DISEASE; NEUROPATHY, CONGENITAL SENSORY. Identifiers: Orphanet 970, MedGen C2752089, MONDO:0024309, OMIM 201300.

Allele frequency attached by ClinVar (database versions not stated): ESP Exome Variant Server 0.00008; gnomAD 0.00025 and 0.00026; ExAC 0.00029; TOPMed 0.00032; gnomAD exomes 0.00034.
gnomAD v4.1: 296 of 1,613,950 alleles (0.018%); highest among the groups gnomAD compares: Admixed American, 0.075%; no homozygotes.

Submissions (6):

Labcorp Genetics (formerly Invitae), Labcorp
Classification: Likely benign for Neuropathy, hereditary sensory and autonomic, type 2A; Pseudohypoaldosteronism type 2C. Last evaluated: 2026-01-26. Review status: criteria provided, single submitter. Criteria: Invitae Variant Classification Sherloc (09022015). Collection method: clinical testing. Allele origin: germline.

PreventionGenetics, part of Exact Sciences
Classification: Likely benign for WNK1-related condition. Last evaluated: 2025-09-25. Review status: criteria provided, single submitter. Criteria: ACMG Guidelines, 2015. Collection method: clinical testing. Allele origin: germline.
Comment: This variant is classified as likely benign based on ACMG/AMP sequence variant interpretation guidelines (Richards et al. 2015 PMID: 25741868, with internal and published modifications).

Mayo Clinic Laboratories, Mayo Clinic
Classification: Uncertain significance. Last evaluated: 2021-11-11. Review status: criteria provided, single submitter. Criteria: ACMG Guidelines, 2015. Collection method: clinical testing. Allele origin: germline.

GeneDx
Classification: Likely benign. Last evaluated: 2020-11-10. Review status: criteria provided, single submitter. Criteria: GeneDx Variant Classification Process June 2021. Collection method: clinical testing. Allele origin: germline. Affected: yes.

Ambry Genetics
Classification: Uncertain significance for Inborn genetic diseases. Last evaluated: 2020-11-02. Review status: criteria provided, single submitter. Criteria: Ambry Variant Classification Scheme 2023. Collection method: clinical testing. Allele origin: germline.
Comment: The p.S980I variant (also known as c.2939G>T), located in coding exon 10 of the WNK1 gene, results from a G to T substitution at nucleotide position 2939. The serine at codon 980 is replaced by isoleucine, an amino acid with dissimilar properties. This amino acid position is not well conserved in available vertebrate species. In addition, this alteration is predicted to be tolerated by in silico analysis. Since supporting evidence is limited at this time, the clinical significance of this alteration remains unclear.

ARUP Laboratories, Molecular Genetics and Genomics, ARUP Laboratories
Classification: Uncertain significance. Last evaluated: 2019-05-02. Review status: criteria provided, single submitter. Criteria: ARUP Molecular Germline Variant Investigation Process. Collection method: clinical testing. Allele origin: germline.
Comment: The WNK1 c.2939G>T, p.Ser980Ile variant (rs372091476), to our knowledge, has not been reported in the medical literature or gene specific databases. This variant is found in the general population with an allele frequency in Ashkenazi Jewish individuals of 0.33% (34/10,348 alleles) in the Genome Aggregation Database. The serine at codon 980 is weakly conserved (Alamut v.2.11) and computational analyses (SIFT, PolyPhen-2) predict that this variant is tolerated. However, based on the available information, the clinical significance of this variant is uncertain.